The following is an entry in ClinVar:

NM_006421.5(ARFGEF1):c.2345G>C (p.Arg782Pro)

Gene: ARFGEF1 (ARF guanine nucleotide exchange factor 1; minus strand). Cytogenetic location: 8q13.2.
Variant type: single nucleotide variant.
Coding change: c.2345G>C on transcript NM_006421.5 (MANE Select); coding-DNA position 2345, G replaced by C.
Protein change: p.Arg782Pro; replaces arginine 782 with proline.
Molecular consequence: missense variant. On other transcripts: non-coding transcript variant (1).
Genome position (GRCh38, 1-based): chr8:67,258,181, C>G on the plus strand (G>C on the coding strand, the complement: ARFGEF1 is on the minus strand). VCF-style: chr8-67258181-C-G. GRCh37 (hg19) VCF-style: chr8-68170416-C-G.
Other names: c.2345G>C, p.Arg782Pro (NM_001413184.1, NM_001413185.1, NM_001413186.1 and 7 more transcripts); c.1745G>C, p.Arg582Pro (NM_001413188.1, NM_001413193.1, NM_001413197.1); c.920G>C, p.Arg307Pro (NM_001413196.1); short protein forms R582P, R782P, R307P.
Identifiers: ClinVar variation 4055833 (VCV004055833.2).

ClinVar aggregate classification (germline): Uncertain significance (1 of 4 stars; one submission).

Submission:

GeneDx
Classification: Uncertain significance. Last evaluated: 2026-08-29. Review status: criteria provided, single submitter. Criteria: GeneDx Variant Classification Process June 2021. Collection method: clinical testing. Allele origin: germline.
Comment: Not observed at significant frequency in large population cohorts (gnomAD); In silico analysis supports that this missense variant has a deleterious effect on protein structure/function; Has not been previously published as pathogenic or benign to our knowledge